The following is an entry in ClinVar:

NM_018062.4(FANCL):c.217-2A>G

Gene: FANCL (FA complementation group L; minus strand). Cytogenetic location: 2p16.1.
Variant type: single nucleotide variant.
Coding change: c.217-2A>G on transcript NM_018062.4 (MANE Select); the canonical splice acceptor site of the intron before coding-DNA position 217, A replaced by G.
Molecular consequence: splice acceptor variant.
Genome position (GRCh38, 1-based): chr2:58,226,786, T>C on the plus strand (A>G on the coding strand, the complement: FANCL is on the minus strand). VCF-style: chr2-58226786-T-C. GRCh37 (hg19) VCF-style: chr2-58453921-T-C.
Other names: c.217-2A>G (NM_001374615.1, NM_001114636.2, NM_001410792.1).
Identifiers: ClinVar variation 2672815 (VCV002672815.26), dbSNP rs755417959, ClinGen allele CA1670733.

ClinVar aggregate classification (germline): Conflicting classifications of pathogenicity. Review status: criteria provided, conflicting classifications (1 of 4 stars). 3 submissions from 3 submitters: Pathogenic (1); Likely pathogenic (1); Uncertain significance (1). Last evaluated 2025-05-02.

Conditions:
Fanconi anemia complementation group L (FANCL). Also called: FANCL-Related Fanconi Anemia. Identifiers: Orphanet 84, MedGen C3469528, MONDO:0013566, OMIM 614083.
Fanconi anemia (FA). Also called: Fanconi's anemia. Identifiers: Orphanet 84, MedGen C0015625, MeSH D005199, MONDO:0019391.

Allele frequency attached by ClinVar (database versions not stated): gnomAD exomes below 0.00001; ExAC 0.00001.
gnomAD v4.1: 2 of 1,610,884 alleles (0.00012%); highest among the groups gnomAD compares: Admixed American, 0.0033%; no homozygotes.

Submissions (3):

Labcorp Genetics (formerly Invitae), Labcorp
Classification: Likely pathogenic for Fanconi anemia. Last evaluated: 2025-05-02. Review status: criteria provided, single submitter. Criteria: Invitae Variant Classification Sherloc (09022015). Collection method: clinical testing. Allele origin: germline.
Comment: This sequence change affects an acceptor splice site in intron 3 of the FANCL gene. It is expected to disrupt RNA splicing. Variants that disrupt the donor or acceptor splice site typically lead to a loss of protein function (PMID: 16199547), and loss-of-function variants in FANCL are known to be pathogenic (PMID: 19405097, 23613520). This variant is present in population databases (rs755417959, gnomAD 0.006%). Disruption of this splice site has been observed in individual(s) with Fanconi anemia (PMID: 27041517). ClinVar contains an entry for this variant (Variation ID: 2672815). Algorithms developed to predict the effect of sequence changes on RNA splicing suggest that this variant may disrupt the consensus splice site. In summary, the currently available evidence indicates that the variant is pathogenic, but additional data are needed to prove that conclusively. Therefore, this variant has been classified as Likely Pathogenic.

Baylor Genetics
Classification: Pathogenic for Fanconi anemia complementation group L. Last evaluated: 2024-03-11. Review status: criteria provided, single submitter. Criteria: ACMG Guidelines, 2015. Collection method: clinical testing. Allele origin: unknown.

CeGaT Center for Human Genetics Tuebingen
Classification: Uncertain significance. Last evaluated: 2023-11-01. Review status: criteria provided, single submitter. Criteria: CeGaT Center For Human Genetics Tuebingen Variant Classification Criteria Version 2. Collection method: clinical testing. Allele origin: germline. Affected: yes. Observed: 1 variant allele.
Comment: FANCL: PM2, PVS1:Moderate, PM3:Supporting

Literature cited by the submitters: PubMed 16199547 (cited by Labcorp Genetics (formerly Invitae), Labcorp); PubMed 19405097 (cited by Labcorp Genetics (formerly Invitae), Labcorp); PubMed 23613520 (cited by Labcorp Genetics (formerly Invitae), Labcorp); PubMed 27041517 (cited by Labcorp Genetics (formerly Invitae), Labcorp).